The following is an entry in ClinVar:

ClinVar aggregate classification (germline): Conflicting classifications of pathogenicity. Review status: criteria provided, conflicting classifications (1 of 4 stars). 9 submissions from 9 submitters: Uncertain significance (8); Benign (1). Last evaluated 2026-01-28.

Conditions:
Hereditary nonpolyposis colorectal neoplasms. Identifiers: MedGen C0009405, MeSH D003123.
Lynch syndrome. Identifiers: Orphanet 144, MedGen C4552100, MONDO:0005835. Disease mechanism: loss of function.
Hereditary cancer-predisposing syndrome. Also called: Tumor predisposition; Hereditary Cancer Syndrome; Hereditary neoplastic syndrome; Neoplastic Syndromes, Hereditary. Identifiers: Orphanet 140162, MedGen C0027672, MeSH D009386, MONDO:0015356.
Lynch syndrome 5 (LYNCH5). Also called: Colorectal cancer, hereditary nonpolyposis, type 5; Hereditary non-polyposis colorectal cancer, type 5. Identifiers: Orphanet 144, MedGen C1833477, MONDO:0013710, OMIM 614350. Disease mechanism: loss of function.
Endometrial carcinoma. Also called: Endometrial carcinoma, somatic. Identifiers: MedGen C0476089, MONDO:0002447, OMIM 608089, HP:0012114.

Allele frequency attached by ClinVar (database versions not stated): ExAC 0.00001; TOPMed 0.00002; gnomAD 0.00003.
gnomAD v4.1: 23 of 1,613,430 alleles (0.0014%); highest among the groups gnomAD compares: African/African-American, 0.0027%; no homozygotes.

Submissions (9):

Labcorp Genetics (formerly Invitae), Labcorp
Classification: Benign for Hereditary nonpolyposis colorectal neoplasms. Last evaluated: 2026-01-28. Review status: criteria provided, single submitter. Criteria: Invitae Variant Classification Sherloc (09022015). Collection method: clinical testing. Allele origin: germline.

GeneDx
Classification: Uncertain significance. Last evaluated: 2025-10-21. Review status: criteria provided, single submitter. Criteria: GeneDx Variant Classification Process June 2021. Collection method: clinical testing. Allele origin: germline. Affected: yes.
Comment: Not observed at significant frequency in large population cohorts (gnomAD); In silico analysis suggests that this missense variant does not alter protein structure/function; Observed in individuals with an HNPCC-like phenotype as well as in an individual with personal and family history of breast/ovarian cancer (PMID: 18269114, 25980754, 26898890); This variant is associated with the following publications: (PMID: 18269114, 25980754, 26898890, 23621914, 26333163, 22290698, 17531815, 21120944, 12019211)

Molecular Pathology, Peter Maccallum Cancer Centre
Classification: Uncertain significance for Lynch syndrome 5. Last evaluated: 2025-02-10. Review status: criteria provided, single submitter. Criteria: ACMG Guidelines, 2015. Collection method: clinical testing. Allele origin: germline. Inheritance: Autosomal dominant inheritance.

Ambry Genetics
Classification: Uncertain significance for Hereditary cancer-predisposing syndrome. Last evaluated: 2024-06-21. Review status: criteria provided, single submitter. Criteria: Ambry Variant Classification Scheme 2023. Collection method: clinical testing. Allele origin: germline.
Comment: The p.E1310D variant (also known as c.3930G>C), located in coding exon 9 of the MSH6 gene, results from a G to C substitution at nucleotide position 3930. The glutamic acid at codon 1310 is replaced by aspartic acid, an amino acid with highly similar properties. This alteration has been reported in Lynch-associated cancer and/or polyps cohorts; however, no clinical details were provided (Devlin L et al. Ulster Med J. 2008 Jan;77(1):25-30; Yurgelun MB et al. Gastroenterology, 2015 Sep;149:604-13.e20). This variant was also observed in 1/287 patients with hereditary breast and/or ovarian cancer (Caminsky NG et al. Hum Mutat, 2016 07;37:640-52). This amino acid position is well conserved in available vertebrate species. In addition, this alteration is predicted to be tolerated by in silico analysis. Since supporting evidence is limited at this time, the clinical significance of this alteration remains unclear.

All of Us Research Program, National Institutes of Health
Classification: Uncertain significance for Lynch syndrome. Last evaluated: 2024-06-09. Review status: criteria provided, single submitter. Criteria: ACMG Guidelines, 2015. Collection method: clinical testing. Allele origin: germline. Inheritance: Autosomal dominant inheritance. Observed: 7 variant alleles, 7 heterozygotes.
Comment: This missense variant replaces glutamic acid with aspartic acid at codon 1310 of the MSH6 protein. Computational prediction suggests that this variant may not impact protein structure and function (internally defined REVEL score threshold <= 0.5, PMID: 27666373). Splice site prediction tools suggest that this variant may not impact RNA splicing. To our knowledge, functional studies have not been reported for this variant. This variant has been reported in individuals affected with Lynch syndrome-associated cancer and/or polyps (PMID: 18269114, 25980754) and breast and/or ovarian cancer (PMID: 26898890). This variant has also been identified in 1/245094 chromosomes in the general population by the Genome Aggregation Database (gnomAD). The available evidence is insufficient to determine the role of this variant in disease conclusively. Therefore, this variant is classified as a Variant of Uncertain Significance.

This study involves interpretation of variants in research participants for the purpose of population health screening. Participant phenotype was not available at the time of variant classification. Additional details can be found in publication PMID: 35346344, PMCID: PMC8962531

Baylor Genetics
Classification: Uncertain significance for Endometrial carcinoma. Last evaluated: 2024-02-27. Review status: criteria provided, single submitter. Criteria: ACMG Guidelines, 2015. Collection method: clinical testing. Allele origin: unknown.

Color Diagnostics, LLC DBA Color Health
Classification: Uncertain significance for Hereditary cancer-predisposing syndrome. Last evaluated: 2023-08-30. Review status: criteria provided, single submitter. Criteria: ACMG Guidelines, 2015. Collection method: clinical testing. Allele origin: germline.
Comment: This missense variant replaces glutamic acid with aspartic acid at codon 1310 of the MSH6 protein. Computational prediction suggests that this variant may not impact protein structure and function (internally defined REVEL score threshold <= 0.5, PMID: 27666373). Splice site prediction tools suggest that this variant may not impact RNA splicing. To our knowledge, functional studies have not been reported for this variant. This variant has been reported in individuals affected with Lynch syndrome-associated cancer and/or polyps (PMID: 18269114, 25980754) and breast and/or ovarian cancer (PMID: 26898890). This variant has also been identified in 1/245094 chromosomes in the general population by the Genome Aggregation Database (gnomAD). The available evidence is insufficient to determine the role of this variant in disease conclusively. Therefore, this variant is classified as a Variant of Uncertain Significance.

Clinical Genetics Laboratory, Skane University Hospital Lund
Classification: Uncertain significance. Last evaluated: 2022-07-11. Review status: criteria provided, single submitter. Criteria: ACMG Guidelines, 2015. Collection method: clinical testing. Allele origin: germline. Affected: yes.

Women's Health and Genetics/Laboratory Corporation of America, LabCorp
Classification: Uncertain significance. Last evaluated: 2021-12-17. Review status: criteria provided, single submitter. Criteria: LabCorp Variant Classification Summary - May 2015. Collection method: clinical testing. Allele origin: germline.
Comment: Variant summary: MSH6 c.3930G>C (p.Glu1310Asp) results in a conservative amino acid change located in the C-terminal domain that is comprised of the ATPase domain and the HTH (helix-turn-helix) domain, the latter being involved in dimer contacts (IPR000432). Four of five in-silico tools predict a benign effect of the variant on protein function. In addition, in silico prediction methods developed specifically for MMR gene missense variants also predicted that this variant is likely to be neutral (Ali_2012, Terui_2013, Niroula_2015). The variant allele was found at a frequency of 2.7e-05 in 150710 control chromosomes (gnomAD v3.1 genomes dataset). The available data on variant occurrences in the general population are insufficient to allow any conclusion about variant significance. The variant, c.3930G>C, has been reported in the literature in individuals affected with affected with Lynch syndrome-associated tumors and/or polyps (Devlin_2008, Yurgelun_2015), and breast cancer (Caminsky_2016). These data do not allow any conclusion about variant significance. To our knowledge, no experimental evidence demonstrating an impact on protein function has been reported. Four clinical diagnostic laboratories have submitted clinical-significance assessments for this variant to ClinVar after 2014, and aAll laboratories classified the variant as uncertain significance. Based on the evidence outlined above, the variant was classified as uncertain significance.

Literature cited by the submitters: PubMed 25980754 (cited by 4 submitters); PubMed 26898890 (cited by 4 submitters); PubMed 18269114 (cited by 3 submitters); PubMed 22290698 (cited by Women's Health and Genetics/Laboratory Corporation of America, LabCorp); PubMed 23621914 (cited by Women's Health and Genetics/Laboratory Corporation of America, LabCorp); PubMed 26333163 (cited by Women's Health and Genetics/Laboratory Corporation of America, LabCorp).

NM_000179.3(MSH6):c.3930G>C (p.Glu1310Asp)

Gene: MSH6 (mutS homolog 6; plus strand). Cytogenetic location: 2p16.3.
Variant type: single nucleotide variant.
Coding change: c.3930G>C on transcript NM_000179.3 (MANE Select); coding-DNA position 3930, G replaced by C.
Protein change: p.Glu1310Asp; replaces glutamic acid 1310 with aspartic acid.
Molecular consequence: missense variant.
Genome position (GRCh38, 1-based): chr2:47,806,580, G>C. VCF-style: chr2-47806580-G-C. GRCh37 (hg19) VCF-style: chr2-48033719-G-C.
Other names: c.3540G>C, p.Glu1180Asp (NM_001281492.2); c.3024G>C, p.Glu1008Asp (NM_001281493.2, NM_001281494.2); short protein forms E1310D, E1180D, E1008D.
Identifiers: ClinVar variation 89482 (VCV000089482.30), dbSNP rs267608129, ClinGen allele CA014716.